The following is an entry in ClinVar:

ClinVar aggregate classification (germline): Uncertain significance (1 of 4 stars; one submission).

Conditions:
CASP10-related disorder. Also called: CASP10-related condition.

gnomAD v4.1: 1 of 1,613,890 alleles (0.000062%); highest among the groups gnomAD compares: African/African-American, 0.0013%; no homozygotes.

Submission:

PreventionGenetics, part of Exact Sciences
Classification: Uncertain significance for CASP10-related condition. Last evaluated: 2025-10-21. Review status: criteria provided, single submitter. Criteria: ACMG Guidelines, 2015. Collection method: clinical testing. Allele origin: germline.
Comment: The CASP10 c.1553A>T variant is predicted to result in the amino acid substitution p.Asp518Val. To our knowledge, this variant has not been reported in the literature or in a large population database (gnomAD), indicating this variant is rare. At this time, the clinical significance of this variant is uncertain due to the absence of conclusive functional and genetic evidence.

NM_032977.4(CASP10):c.1553A>T (p.Asp518Val)

Gene: CASP10 (caspase 10; plus strand). Cytogenetic location: 2q33.1.
Variant type: single nucleotide variant.
Coding change: c.1553A>T on transcript NM_032977.4 (MANE Select); coding-DNA position 1553, A replaced by T.
Protein change: p.Asp518Val; replaces aspartic acid 518 with valine.
Molecular consequence: missense variant. On other transcripts: 3 prime UTR variant (1), intron variant (2).
Genome position (GRCh38, 1-based): chr2:201,217,725, A>T. VCF-style: chr2-201217725-A-T. GRCh37 (hg19) VCF-style: chr2-202082448-A-T.
Other names: c.1352A>T, p.Asp451Val (NM_001206524.2); c.1424A>T, p.Asp475Val (NM_001230.5); c.*639A>T (NM_032976.4); c.1415+8163A>T (NM_032974.5); c.1286+8163A>T (NM_001206542.2); short protein forms D475V, D518V, D451V.
Identifiers: ClinVar variation 4992302 (VCV004992302.1).